The following is an entry in ClinVar:

ClinVar aggregate classification (germline): Benign (1 of 4 stars; one submission).

Conditions:
Ehlers-Danlos syndrome, classic type, 2 (EDSCL2). Also called: Ehlers-Danlos syndrome, type 2; Ehlers-Danlos syndrome type 2 (formerly); Ehlers-Danlos Syndrome, Classic Type, COL5A2-Related. Identifiers: Orphanet 287, Orphanet 90318, MedGen C0268336, MONDO:0019568, OMIM 130010.

Allele frequency attached by ClinVar (database versions not stated): gnomAD 0.00567 and 0.00543; TOPMed 0.00604; 1000 Genomes Project 30x 0.00843; 1000 Genomes Project 0.00779.

Submission:

Illumina Laboratory Services, Illumina
Classification: Benign for Ehlers-Danlos syndrome, classic type, 2. Last evaluated: 2018-01-13. Review status: criteria provided, single submitter. Criteria: ICSL Variant Classification Criteria 13 December 2019. Collection method: clinical testing. Allele origin: germline.
Comment: This variant was observed in the ICSL laboratory as part of a predisposition screen in an ostensibly healthy population. It had not been previously curated by ICSL or reported in the Human Gene Mutation Database (HGMD: prior to June 1st, 2018), and was therefore a candidate for classification through an automated scoring system. Utilizing variant allele frequency, disease prevalence and penetrance estimates, and inheritance mode, an automated score was calculated to assess if this variant is too frequent to cause the disease. Based on the score and internal cut-off values, a variant classified as benign is not then subjected to further curation. The score for this variant resulted in a classification of benign for this disease.

NM_000393.5(COL5A2):c.*798A>G

Gene: COL5A2 (collagen type V alpha 2 chain; minus strand). Cytogenetic location: 2q32.2.
Variant type: single nucleotide variant.
Coding change: c.*798A>G on transcript NM_000393.5 (MANE Select); 798 bases downstream of the stop codon, A replaced by G.
Molecular consequence: 3 prime UTR variant.
Genome position (GRCh38, 1-based): chr2:189,033,272, T>C on the plus strand (A>G on the coding strand, the complement: COL5A2 is on the minus strand). VCF-style: chr2-189033272-T-C. GRCh37 (hg19) VCF-style: chr2-189897998-T-C.
Identifiers: ClinVar variation 333113 (VCV000333113.6), dbSNP rs116775405, ClinGen allele CA10612190.